The following is an entry in ClinVar:

NM_000057.4(BLM):c.2505C>G (p.Pro835=)

Gene: BLM (BLM RecQ like helicase; plus strand). Cytogenetic location: 15q26.1.
Variant type: single nucleotide variant.
Coding change: c.2505C>G on transcript NM_000057.4 (MANE Select); coding-DNA position 2505, C replaced by G.
Protein change: p.Pro835=; no amino-acid change (proline 835 retained).
Molecular consequence: synonymous variant.
Genome position (GRCh38, 1-based): chr15:90,769,536, C>G. VCF-style: chr15-90769536-C-G. GRCh37 (hg19) VCF-style: chr15-91312766-C-G.
Other names: c.2505C>G, p.Pro835= (NM_001287246.2, NM_001287247.2); c.1380C>G, p.Pro460= (NM_001287248.2); c.2505C>G (LRG_20t1).
Identifiers: ClinVar variation 485331 (VCV000485331.20), dbSNP rs1023396216, ClinGen allele CA7738794.

ClinVar aggregate classification (germline): Likely benign. Review status: criteria provided, multiple submitters, no conflicts (2 of 4 stars). 5 submissions from 5 submitters: Likely benign (3). 2 of the submissions do not count toward it. Last evaluated 2025-08-29.

Conditions:
BLM-related disorder. Also called: BLM-related condition.
Hereditary cancer-predisposing syndrome. Also called: Tumor predisposition; Hereditary Cancer Syndrome; Neoplastic Syndromes, Hereditary; Hereditary neoplastic syndrome. Identifiers: Orphanet 140162, MedGen C0027672, MeSH D009386, MONDO:0015356.
Bloom syndrome (BLM). Also called: Bloom-Torre-Machacek syndrome. Identifiers: Orphanet 125, MedGen C0005859, MONDO:0008876, OMIM 210900.

Allele frequency attached by ClinVar (database versions not stated): gnomAD 0.00001; gnomAD exomes 0.00001 and 0.00003; TOPMed 0.00001; ExAC 0.00002.

Submissions (5):

Labcorp Genetics (formerly Invitae), Labcorp
Classification: Likely benign for Bloom syndrome. Last evaluated: 2025-08-29. Review status: criteria provided, single submitter. Criteria: Invitae Variant Classification Sherloc (09022015). Collection method: clinical testing. Allele origin: germline.

Blueprint Genetics
Classification: Likely benign. Last evaluated: 2023-06-26. Review status: criteria provided, single submitter. Criteria: ACMG Guidelines, 2015. Collection method: clinical testing. Allele origin: germline.

Ambry Genetics
Classification: Likely benign for Hereditary cancer-predisposing syndrome. Last evaluated: 2017-01-04. Review status: criteria provided, single submitter. Criteria: Ambry Variant Classification Scheme 2023. Collection method: clinical testing. Allele origin: germline.

PreventionGenetics, part of Exact Sciences
Classification: Likely benign for BLM-related condition. Last evaluated: 2022-04-15. Review status: no assertion criteria provided. Collection method: clinical testing. Allele origin: germline. Not counted in ClinVar's aggregate classification.
Comment: This variant is classified as likely benign based on ACMG/AMP sequence variant interpretation guidelines (Richards et al. 2015 PMID: 25741868, with internal and published modifications).

Natera, Inc.
Classification: Likely benign for Bloom syndrome. Last evaluated: 2020-09-16. Review status: no assertion criteria provided. Collection method: clinical testing. Allele origin: germline. Not counted in ClinVar's aggregate classification.